The following is an entry in ClinVar:

NM_139319.3(SLC17A8):c.711G>A (p.Leu237=)

Gene: SLC17A8 (solute carrier family 17 member 8; plus strand). Cytogenetic location: 12q23.1.
Variant type: single nucleotide variant.
Coding change: c.711G>A on transcript NM_139319.3 (MANE Select); coding-DNA position 711, G replaced by A.
Protein change: p.Leu237=; no amino-acid change (leucine 237 retained).
Molecular consequence: synonymous variant.
Genome position (GRCh38, 1-based): chr12:100,401,811, G>A. VCF-style: chr12-100401811-G-A. GRCh37 (hg19) VCF-style: chr12-100795589-G-A.
Other names: c.711G>A, p.Leu237= (NM_001145288.2).
Identifiers: ClinVar variation 47885 (VCV000047885.20), dbSNP rs11568542, ClinGen allele CA142101.

ClinVar aggregate classification (germline): Benign. Review status: criteria provided, multiple submitters, no conflicts (2 of 4 stars). 7 submissions from 7 submitters: Benign (7). Last evaluated 2026-01-25.

Conditions:
Autosomal dominant nonsyndromic hearing loss 25. Identifiers: Orphanet 90635, MedGen C1854158, MONDO:0011568, OMIM 605583.

Allele frequency attached by ClinVar (database versions not stated): gnomAD exomes 0.00143 and 0.00407; ExAC 0.00508; ESP Exome Variant Server 0.01476; gnomAD 0.01610 and 0.01720; 1000 Genomes Project 0.01757; TOPMed 0.01798; 1000 Genomes Project 30x 0.01983.
gnomAD v4.1: 4,662 of 1,614,036 alleles (0.29%); highest among the groups gnomAD compares: African/African-American, 5.3%; 117 homozygotes.

Submissions (7):

Labcorp Genetics (formerly Invitae), Labcorp
Classification: Benign. Last evaluated: 2026-01-25. Review status: criteria provided, single submitter. Criteria: Invitae Variant Classification Sherloc (09022015). Collection method: clinical testing. Allele origin: germline.

Athena Diagnostics
Classification: Benign. Last evaluated: 2018-11-12. Review status: criteria provided, single submitter. Criteria: Athena Diagnostics Criteria. Collection method: clinical testing. Allele origin: germline.

GeneDx
Classification: Benign. Last evaluated: 2018-01-29. Review status: criteria provided, single submitter. Criteria: GeneDx Variant Classification (06012015). Collection method: clinical testing. Allele origin: germline. Affected: yes.
Comment: This variant is considered likely benign or benign based on one or more of the following criteria: it is a conservative change, it occurs at a poorly conserved position in the protein, it is predicted to be benign by multiple in silico algorithms, and/or has population frequency not consistent with disease.

Illumina Laboratory Services, Illumina
Classification: Benign for Autosomal dominant nonsyndromic hearing loss 25. Last evaluated: 2018-01-12. Review status: criteria provided, single submitter. Criteria: ICSL Variant Classification Criteria 13 December 2019. Collection method: clinical testing. Allele origin: germline.
Comment: This variant was observed in the ICSL laboratory as part of a predisposition screen in an ostensibly healthy population. It had not been previously curated by ICSL or reported in the Human Gene Mutation Database (HGMD: prior to June 1st, 2018), and was therefore a candidate for classification through an automated scoring system. Utilizing variant allele frequency, disease prevalence and penetrance estimates, and inheritance mode, an automated score was calculated to assess if this variant is too frequent to cause the disease. Based on the score and internal cut-off values, a variant classified as benign is not then subjected to further curation. The score for this variant resulted in a classification of benign for this disease.

Laboratory for Molecular Medicine, Mass General Brigham Personalized Medicine
Classification: Benign. Last evaluated: 2012-05-07. Review status: criteria provided, single submitter. Criteria: LMM Criteria. Collection method: clinical testing. Allele origin: germline. Observed: 9 variant alleles.
Comment: "Leu237Leu in Exon 06 of SLC17A8: This variant is not expected to have clinical significance because it does not alter an amino acid residue, is not located wit hin the splice consensus sequence, and has been identified in 4.1% (155/3738) of African American chromosomes from a broad population by the NHLBI Exome Sequenc ing Project (dbSNP rs11568542)."

Breakthrough Genomics
Classification: Benign. Review status: criteria provided, single submitter. Criteria: ACMG Guidelines, 2015. Collection method: not provided. Allele origin: germline. Inheritance: Autosomal dominant inheritance. Affected: yes.

PreventionGenetics, part of Exact Sciences
Classification: Benign. Review status: criteria provided, single submitter. Criteria: ACMG Guidelines, 2015. Collection method: clinical testing. Allele origin: germline.